The following is an entry in ClinVar:

ClinVar aggregate classification (germline): Uncertain significance (1 of 4 stars; one submission).

Conditions:
FGFR1-related disorder. Also called: FGFR1-related disorders; FGFR1-related condition. Identifiers: MedGen CN380097.

gnomAD v4.1: 2 of 233,036 alleles (0.00086%); highest among the groups gnomAD compares: Non-Finnish European, 0.0017%; no homozygotes.

Submission:

PreventionGenetics, part of Exact Sciences
Classification: Uncertain significance for FGFR1-related condition. Last evaluated: 2025-12-29. Review status: criteria provided, single submitter. Criteria: ACMG Guidelines, 2015. Collection method: clinical testing. Allele origin: germline.
Comment: The FGFR1 c.2111C>T variant is predicted to result in the amino acid substitution p.Pro704Leu. In the primary transcript listed in the Human Gene Mutation Database (NM_023110) this variant is located in the post-coding region (c.*1124C>T, post-coding). To our knowledge, this variant has not been reported in the literature or in a large population database (gnomAD), indicating this variant is rare. At this time, the clinical significance of this variant is uncertain due to the absence of conclusive functional and genetic evidence.

NM_023110.3(FGFR1):c.*1124C>T

Genes: FGFR1 (fibroblast growth factor receptor 1; minus strand), LOC102723716 (uncharacterized LOC102723716; minus strand). Cytogenetic location: 8p11.23.
Variant type: single nucleotide variant.
Coding change: c.*1124C>T on transcript NM_023110.3 (MANE Select); 1124 bases downstream of the stop codon, C replaced by T.
Molecular consequence: 3 prime UTR variant. On other transcripts: non-coding transcript variant (1), missense variant (3).
Genome position (GRCh38, 1-based): chr8:38,412,504, G>A on the plus strand (C>T on the coding strand, the complement: FGFR1 is on the minus strand). VCF-style: chr8-38412504-G-A. GRCh37 (hg19) VCF-style: chr8-38270022-G-A.
Other names: c.*1124C>T (NM_001174063.2, NM_001174064.2, NM_001174065.2 and 7 more transcripts); c.2378C>T, p.Pro793Leu (NM_001354367.2); c.2372C>T, p.Pro791Leu (NM_001354369.2); c.2111C>T, p.Pro704Leu (NM_001354370.2); short protein forms P704L, P791L, P793L.
Identifiers: ClinVar variation 4981375 (VCV004981375.1).